The following is an entry in ClinVar:

NM_025114.4(CEP290):c.1801A>G (p.Asn601Asp)

Gene: CEP290 (centrosomal protein 290; minus strand). Cytogenetic location: 12q21.32.
Variant type: single nucleotide variant.
Coding change: c.1801A>G on transcript NM_025114.4 (MANE Select); coding-DNA position 1801, A replaced by G.
Protein change: p.Asn601Asp; replaces asparagine 601 with aspartic acid.
Molecular consequence: missense variant.
Genome position (GRCh38, 1-based): chr12:88,117,056, T>C on the plus strand (A>G on the coding strand, the complement: CEP290 is on the minus strand). VCF-style: chr12-88117056-T-C. GRCh37 (hg19) VCF-style: chr12-88510833-T-C.
Other names: short protein forms N601D.
Identifiers: ClinVar variation 1960188 (VCV001960188.4), dbSNP rs2500866652, ClinGen allele CA385978058.

ClinVar aggregate classification (germline): Uncertain significance (1 of 4 stars; one submission).

Conditions:
Joubert syndrome. Also called: CEREBELLOPARENCHYMAL DISORDER IV; JOUBERT-BOLTSHAUSER SYNDROME; Familial aplasia of the vermis. Identifiers: Orphanet 475, MedGen C5979921, MONDO:0018772.
Meckel-Gruber syndrome. Also called: DYSENCEPHALIA SPLANCHNOCYSTICA; GRUBER SYNDROME; Dysencephalia splachnocystica. Identifiers: Orphanet 564, MedGen C0265215, MONDO:0018921.
Nephronophthisis. Also called: Juvenile Nephronophthisis. Identifiers: Orphanet 655, MedGen C0687120, MONDO:0019005, HP:0000090.

Submission:

Labcorp Genetics (formerly Invitae), Labcorp
Classification: Uncertain significance for Joubert syndrome; Meckel-Gruber syndrome; Nephronophthisis. Last evaluated: 2022-02-09. Review status: criteria provided, single submitter. Criteria: Invitae Variant Classification Sherloc (09022015). Collection method: clinical testing. Allele origin: germline.
Comment: In summary, the available evidence is currently insufficient to determine the role of this variant in disease. Therefore, it has been classified as a Variant of Uncertain Significance. Algorithms developed to predict the effect of missense changes on protein structure and function are either unavailable or do not agree on the potential impact of this missense change (SIFT: "Deleterious"; PolyPhen-2: "Benign"; Align-GVGD: "Class C0"). This variant has not been reported in the literature in individuals affected with CEP290-related conditions. This variant is not present in population databases (gnomAD no frequency). This sequence change replaces asparagine, which is neutral and polar, with aspartic acid, which is acidic and polar, at codon 601 of the CEP290 protein (p.Asn601Asp).